The following is an entry in ClinVar:

ClinVar aggregate classification (germline): Uncertain significance (1 of 4 stars; one submission).

Conditions:
Congenital insensitivity to pain-hypohidrosis syndrome. Also called: HSAN VIII; Neuropathy, hereditary sensory and autonomic, type VIII. Identifiers: Orphanet 478664, MedGen C4225308, MONDO:0014662, OMIM 616488.

Allele frequency attached by ClinVar (database versions not stated): gnomAD exomes below 0.00001; gnomAD 0.00001.
gnomAD v4.1: 7 of 1,614,030 alleles (0.00043%); highest among the groups gnomAD compares: Non-Finnish European, 0.00051%; no homozygotes.

Submission:

Labcorp Genetics (formerly Invitae), Labcorp
Classification: Uncertain significance for Congenital insensitivity to pain-hypohidrosis syndrome. Last evaluated: 2022-07-15. Review status: criteria provided, single submitter. Criteria: Invitae Variant Classification Sherloc (09022015). Collection method: clinical testing. Allele origin: germline.
Comment: This sequence change replaces glycine, which is neutral and non-polar, with alanine, which is neutral and non-polar, at codon 144 of the PRDM12 protein (p.Gly144Ala). This variant is present in population databases (no rsID available, gnomAD 0.0009%). This variant has not been reported in the literature in individuals affected with PRDM12-related conditions. Algorithms developed to predict the effect of missense changes on protein structure and function are either unavailable or do not agree on the potential impact of this missense change (SIFT: "Deleterious"; PolyPhen-2: "Probably Damaging"; Align-GVGD: "Class C0"). In summary, the available evidence is currently insufficient to determine the role of this variant in disease. Therefore, it has been classified as a Variant of Uncertain Significance.

NM_021619.3(PRDM12):c.431G>C (p.Gly144Ala)

Gene: PRDM12 (PR/SET domain 12; plus strand). Cytogenetic location: 9q34.12.
Variant type: single nucleotide variant.
Coding change: c.431G>C on transcript NM_021619.3 (MANE Select); coding-DNA position 431, G replaced by C.
Protein change: p.Gly144Ala; replaces glycine 144 with alanine.
Molecular consequence: missense variant.
Genome position (GRCh38, 1-based): chr9:130,668,174, G>C. VCF-style: chr9-130668174-G-C. GRCh37 (hg19) VCF-style: chr9-133543561-G-C.
Other names: short protein forms G144A.
Identifiers: ClinVar variation 2047624 (VCV002047624.1), dbSNP rs1181029717, ClinGen allele CA375246929.